The following is an entry in ClinVar:

NM_001082486.2(ACD):c.608_609del (p.Pro203fs)

Gene: ACD (ACD shelterin complex subunit and telomerase recruitment factor; minus strand). Cytogenetic location: 16q22.1.
Variant type: Deletion.
Coding change: c.608_609del on transcript NM_001082486.2 (MANE Select); coding-DNA positions 608 to 609, 2 bases deleted (CT; older notation c.608_609delCT).
Protein change: p.Pro203fs; shifts the reading frame from proline 203.
Molecular consequence: frameshift variant.
Genome position (GRCh38, 1-based): chr16:67,658,964-67,658,965, AG deleted on the plus strand (CT on the coding strand, the reverse complement: ACD is on the minus strand). VCF-style (leftmost placement, unchanged base first): chr16-67658963-CAG-C. GRCh37 (hg19) VCF-style: chr16-67692866-CAG-C.
Other names: c.599_600del, p.Pro200fs (NM_022914.3); c.608_609delCT (NM_001082486.2); short protein forms P200fs, P203fs.
Identifiers: ClinVar variation 1041332 (VCV001041332.11), dbSNP rs777476880, ClinGen allele CA8114610.

ClinVar aggregate classification (germline): Uncertain significance. Review status: criteria provided, multiple submitters, no conflicts (2 of 4 stars). 4 submissions from 4 submitters: Uncertain significance (4). Last evaluated 2025-12-29.

Conditions:
Dyskeratosis congenita, autosomal dominant 6 (DKCA6). Identifiers: Orphanet 3322, MedGen C4225284, MONDO:0014690, OMIM 616553.

Allele frequency attached by ClinVar (database versions not stated): 1000 Genomes Project 30x 0.00016; ESP Exome Variant Server 0.00016; ExAC 0.00002; gnomAD 0.00002 and 0.00003; gnomAD exomes 0.00003 and 0.00004; TOPMed 0.00003.

Submissions (4):

Center for Genomic Medicine, Rigshospitalet, Copenhagen University Hospital
Classification: Uncertain significance. Last evaluated: 2025-12-29. Review status: criteria provided, single submitter. Criteria: ACMG Guidelines, 2015. Collection method: clinical testing. Allele origin: germline.

Labcorp Genetics (formerly Invitae), Labcorp
Classification: Uncertain significance for Dyskeratosis congenita, autosomal dominant 6. Last evaluated: 2025-12-19. Review status: criteria provided, single submitter. Criteria: Invitae Variant Classification Sherloc (09022015). Collection method: clinical testing. Allele origin: germline.
Comment: This sequence change creates a premature translational stop signal (p.Pro289Argfs*28) in the ACD gene. It is expected to result in an absent or disrupted protein product. However, the current clinical and genetic evidence is not sufficient to establish whether loss-of-function variants in ACD cause disease. This variant is present in population databases (rs777476880, gnomAD 0.005%). This premature translational stop signal has been observed in individual(s) with cutaneous melanoma (PMID: 32325837). ClinVar contains an entry for this variant (Variation ID: 1041332). In summary, the available evidence is currently insufficient to determine the role of this variant in disease. Therefore, it has been classified as a Variant of Uncertain Significance.

Fulgent Genetics
Classification: Uncertain significance for Dyskeratosis congenita, autosomal dominant 6. Last evaluated: 2022-04-15. Review status: criteria provided, single submitter. Criteria: ACMG Guidelines, 2015. Collection method: clinical testing. Allele origin: unknown.

Juno Genomics, Hangzhou Juno Genomics, Inc
Classification: Uncertain significance for Dyskeratosis congenita, autosomal dominant 6. Review status: criteria provided, single submitter. Criteria: ACMG Guidelines, 2015. Collection method: clinical testing. Allele origin: germline.
Comment: Absent from controls (or at extremely low frequency if recessive) in Genome Aggregation Database.

Literature cited by the submitters: PubMed 32325837 (cited by Center for Genomic Medicine, Rigshospitalet, Copenhagen University Hospital and Labcorp Genetics (formerly Invitae), Labcorp).